The following is an entry in ClinVar:

ClinVar aggregate classification (germline): Likely pathogenic. Review status: criteria provided, multiple submitters, no conflicts (2 of 4 stars). 2 submissions from 2 submitters: Likely pathogenic (2). Last evaluated 2025-05-05.

Conditions:
COL7A1-related disorder. Also called: COL7A1- related disorders; COL7A1-related condition.

Allele frequency attached by ClinVar (database versions not stated): gnomAD exomes below 0.00001; gnomAD 0.00001; TOPMed 0.00001.
gnomAD v4.1: 3 of 1,614,062 alleles (0.00019%); highest among the groups gnomAD compares: African/African-American, 0.0013%; no homozygotes.

Submissions (2):

PreventionGenetics, part of Exact Sciences
Classification: Likely pathogenic for COL7A1-related condition. Last evaluated: 2025-05-05. Review status: criteria provided, single submitter. Criteria: ACMG Guidelines, 2015. Collection method: clinical testing. Allele origin: germline.
Comment: The COL7A1 c.1358-2A>G variant is predicted to disrupt the AG splice acceptor site and interfere with normal splicing. To our knowledge, this variant has not been reported in the literature or in a large population database (gnomAD), indicating this variant is rare. An different nucleotide change affecting the same consensus splice acceptor site (c.1358-1G>A) has been reported in an individual with autosomal recessive dystrophic epidermolysis bullosa (RDEB) (Lucky et al. 2018. PubMed ID: 29334134). Variants that disrupt the consensus splice acceptor site in COL7A1 are expected to be pathogenic. The c.1358-2A>G variant is interpreted as likely pathogenic.

Labcorp Genetics (formerly Invitae), Labcorp
Classification: Likely pathogenic. Last evaluated: 2024-02-06. Review status: criteria provided, single submitter. Criteria: Invitae Variant Classification Sherloc (09022015). Collection method: clinical testing. Allele origin: germline.
Comment: This sequence change affects an acceptor splice site in intron 10 of the COL7A1 gene. It is expected to disrupt RNA splicing. Variants that disrupt the donor or acceptor splice site typically lead to a loss of protein function (PMID: 16199547), and loss-of-function variants in COL7A1 are known to be pathogenic (PMID: 16971478). This variant is not present in population databases (gnomAD no frequency). This variant has not been reported in the literature in individuals affected with COL7A1-related conditions. ClinVar contains an entry for this variant (Variation ID: 1520926). Algorithms developed to predict the effect of sequence changes on RNA splicing suggest that this variant may disrupt the consensus splice site. In summary, the currently available evidence indicates that the variant is pathogenic, but additional data are needed to prove that conclusively. Therefore, this variant has been classified as Likely Pathogenic.

Literature cited by the submitters: PubMed 16199547 (cited by Labcorp Genetics (formerly Invitae), Labcorp); PubMed 16971478 (cited by Labcorp Genetics (formerly Invitae), Labcorp).

NM_000094.4(COL7A1):c.1358-2A>G

Gene: COL7A1 (collagen type VII alpha 1 chain; minus strand). Cytogenetic location: 3p21.31.
Variant type: single nucleotide variant.
Coding change: c.1358-2A>G on transcript NM_000094.4 (MANE Select); the canonical splice acceptor site of the intron before coding-DNA position 1358, A replaced by G.
Molecular consequence: splice acceptor variant.
Genome position (GRCh38, 1-based): chr3:48,591,824, T>C on the plus strand (A>G on the coding strand, the complement: COL7A1 is on the minus strand). VCF-style: chr3-48591824-T-C. GRCh37 (hg19) VCF-style: chr3-48629257-T-C.
Other names: c.1358-2A>G (NM_000094.3).
Identifiers: ClinVar variation 1520926 (VCV001520926.8), dbSNP rs1432916221, ClinGen allele CA352735318.